The following is an entry in ClinVar:

ClinVar aggregate classification (germline): Uncertain significance (1 of 4 stars; one submission).

Allele frequency attached by ClinVar (database versions not stated): gnomAD exomes below 0.00001; ExAC 0.00001.

Submission:

Labcorp Genetics (formerly Invitae), Labcorp
Classification: Uncertain significance. Last evaluated: 2024-08-12. Review status: criteria provided, single submitter. Criteria: Invitae Variant Classification Sherloc (09022015). Collection method: clinical testing. Allele origin: germline.
Comment: This sequence change creates a premature translational stop signal (p.Ala41Glyfs*38) in the ANKZF1 gene. It is expected to result in an absent or disrupted protein product. However, the current clinical and genetic evidence is not sufficient to establish whether loss-of-function variants in ANKZF1 cause disease. This variant is present in population databases (rs776125621, gnomAD 0.0009%). This variant has not been reported in the literature in individuals affected with ANKZF1-related conditions. ClinVar contains an entry for this variant (Variation ID: 1468935). In summary, the available evidence is currently insufficient to determine the role of this variant in disease. Therefore, it has been classified as a Variant of Uncertain Significance.

NM_018089.3(ANKZF1):c.119dup (p.Ala41fs)

Gene: ANKZF1 (ankyrin repeat and zinc finger peptidyl tRNA hydrolase 1; plus strand). Cytogenetic location: 2q35.
Variant type: Duplication.
Coding change: c.119dup on transcript NM_018089.3 (MANE Select); coding-DNA position 119, one base duplicated (T; older notation c.119dupT).
Protein change: p.Ala41fs; shifts the reading frame from alanine 41.
Molecular consequence: frameshift variant. On other transcripts: intron variant (1).
Genome position (GRCh38, 1-based): chr2:219,230,376, T duplicated. VCF-style (leftmost placement, unchanged base first): chr2-219230375-C-CT. GRCh37 (hg19) VCF-style: chr2-220095097-C-CT.
Other names: c.119dup, p.Ala41fs (NM_001042410.2); c.-267+476dup (NM_001282792.2); short protein forms A41fs.
Identifiers: ClinVar variation 1468935 (VCV001468935.6), dbSNP rs776125621, ClinGen allele CA2120608.